The following is an entry in ClinVar:

ClinVar aggregate classification (germline): Uncertain significance (1 of 4 stars; one submission).

Submission:

Ambry Genetics
Classification: Uncertain significance. Last evaluated: 2023-10-23. Review status: criteria provided, single submitter. Criteria: Ambry Variant Classification Scheme 2023. Collection method: clinical testing. Allele origin: germline.
Comment: The p.L304W variant (also known as c.911T>G), located in coding exon 4 of the TMPO gene, results from a T to G substitution at nucleotide position 911. The leucine at codon 304 is replaced by tryptophan, an amino acid with similar properties. This amino acid position is conserved. In addition, the in silico prediction for this alteration is inconclusive. Since supporting evidence is limited at this time, the clinical significance of this alteration remains unclear.

NM_001032283.3(TMPO):c.565+1330T>G

Gene: TMPO (thymopoietin; plus strand). Cytogenetic location: 12q23.1.
Variant type: single nucleotide variant.
Coding change: c.565+1330T>G on transcript NM_001032283.3 (MANE Select); 1330 bases into the intron after coding-DNA position 565, T replaced by G.
Molecular consequence: intron variant. On other transcripts: missense variant (1).
Genome position (GRCh38, 1-based): chr12:98,533,168, T>G. VCF-style: chr12-98533168-T-G. GRCh37 (hg19) VCF-style: chr12-98926946-T-G.
Other names: c.911T>G, p.Leu304Trp (NM_003276.2); c.565+1330T>G (NM_001307975.2, NM_001032284.3); short protein forms L304W.
Identifiers: ClinVar variation 3223188 (VCV003223188.1), dbSNP rs2548503143, ClinGen allele CA386152076.